The following is an entry in ClinVar:

ClinVar aggregate classification (germline): Uncertain significance (1 of 4 stars; one submission).

Allele frequency attached by ClinVar (database versions not stated): gnomAD exomes below 0.00001.
gnomAD v4.1: 2 of 1,613,932 alleles (0.00012%); highest among the groups gnomAD compares: Admixed American, 0.0017%; no homozygotes.

Submission:

Labcorp Genetics (formerly Invitae), Labcorp
Classification: Uncertain significance. Last evaluated: 2023-07-21. Review status: criteria provided, single submitter. Criteria: Invitae Variant Classification Sherloc (09022015). Collection method: clinical testing. Allele origin: germline.
Comment: This sequence change affects codon 495 of the IKZF1 mRNA. It is a 'silent' change, meaning that it does not change the encoded amino acid sequence of the IKZF1 protein. In summary, the available evidence is currently insufficient to determine the role of this variant in disease. Therefore, it has been classified as a Variant of Uncertain Significance. Experimental studies and prediction algorithms are not available or were not evaluated, and the effect of this variant on mRNA splicing is currently unknown. This variant has not been reported in the literature in individuals affected with IKZF1-related conditions. This variant is not present in population databases (gnomAD no frequency).

NM_006060.6(IKZF1):c.1485C>T (p.Cys495=)

Gene: IKZF1 (IKAROS family zinc finger 1; plus strand). Cytogenetic location: 7p12.2.
Variant type: single nucleotide variant.
Coding change: c.1485C>T on transcript NM_006060.6 (MANE Select); coding-DNA position 1485, C replaced by T.
Protein change: p.Cys495=; no amino-acid change (cysteine 495 retained).
Molecular consequence: synonymous variant.
Genome position (GRCh38, 1-based): chr7:50,400,552, C>T. VCF-style: chr7-50400552-C-T. GRCh37 (hg19) VCF-style: chr7-50468250-C-T.
Other names: c.1359C>T, p.Cys453= (NM_001220765.3, NM_001291837.2); c.1194C>T, p.Cys398= (NM_001220767.2); c.1224C>T, p.Cys408= (NM_001220768.2, NM_001291838.2); c.1068C>T, p.Cys356= (NM_001220770.2); c.1056C>T, p.Cys352= (NM_001220771.2, NM_001291841.1); c.1098C>T, p.Cys366= (NM_001291839.2); c.795C>T, p.Cys265= (NM_001291840.1); c.1026C>T, p.Cys342= (NM_001291842.1); and 3 more.
Identifiers: ClinVar variation 2743264 (VCV002743264.3), dbSNP rs2153519798, ClinGen allele CA454931333.